The following is an entry in ClinVar:

NM_006767.4(LZTR1):c.1683C>T (p.Arg561=)

Gene: LZTR1 (leucine zipper like post translational regulator 1; plus strand). Cytogenetic location: 22q11.21.
Variant type: single nucleotide variant.
Coding change: c.1683C>T on transcript NM_006767.4 (MANE Select); coding-DNA position 1683, C replaced by T.
Protein change: p.Arg561=; no amino-acid change (arginine 561 retained).
Molecular consequence: synonymous variant.
Genome position (GRCh38, 1-based): chr22:20,994,625, C>T. VCF-style: chr22-20994625-C-T. GRCh37 (hg19) VCF-style: chr22-21348914-C-T.
Other names: p.Arg561=.
Identifiers: ClinVar variation 379429 (VCV000379429.70), dbSNP rs4822790, ClinGen allele CA10119022.

ClinVar aggregate classification (germline): Benign/Likely benign. Review status: criteria provided, multiple submitters, no conflicts (2 of 4 stars). 12 submissions from 12 submitters: Benign (8); Likely benign (1). 3 of the submissions do not count toward it. Last evaluated 2026-02-04.

Conditions:
Cardiovascular phenotype. Identifiers: MedGen CN230736.
Hereditary cancer-predisposing syndrome. Also called: Tumor predisposition; Neoplastic Syndromes, Hereditary; Hereditary neoplastic syndrome; Hereditary Cancer Syndrome. Identifiers: Orphanet 140162, MedGen C0027672, MeSH D009386, MONDO:0015356.

Allele frequency attached by ClinVar (database versions not stated): gnomAD exomes 0.12571 and 0.13845; ESP Exome Variant Server 0.13950; ExAC 0.14080; TOPMed 0.14150; gnomAD 0.14494 and 0.14554; 1000 Genomes Project 0.16893; 1000 Genomes Project 30x 0.17005.
gnomAD v4.1: 205,595 of 1,612,526 alleles (13%); highest among the groups gnomAD compares: East Asian, 23%; 13,972 homozygotes.

Submissions (12):

Labcorp Genetics (formerly Invitae), Labcorp
Classification: Benign. Last evaluated: 2026-02-04. Review status: criteria provided, single submitter. Criteria: Invitae Variant Classification Sherloc (09022015). Collection method: clinical testing. Allele origin: germline.

ARUP Laboratories, Molecular Genetics and Genomics, ARUP Laboratories
Classification: Benign. Last evaluated: 2025-07-08. Review status: criteria provided, single submitter. Criteria: ARUP Molecular Germline Variant Investigation Process 2024. Collection method: clinical testing. Allele origin: germline.

Blueprint Genetics
Classification: Likely benign. Last evaluated: 2024-11-28. Review status: criteria provided, single submitter. Criteria: ACMG Guidelines, 2015. Collection method: clinical testing. Allele origin: germline.

Mayo Clinic Laboratories, Mayo Clinic
Classification: Benign. Last evaluated: 2022-04-26. Review status: criteria provided, single submitter. Criteria: ACMG Guidelines, 2015. Collection method: clinical testing. Allele origin: germline. Observed: 328 variant alleles.

Ambry Genetics
Classification: Benign for Cardiovascular phenotype; Hereditary cancer-predisposing syndrome. Last evaluated: 2019-02-21. Review status: criteria provided, single submitter. Criteria: Ambry Variant Classification Scheme 2023. Collection method: clinical testing. Allele origin: germline.

Laboratory for Molecular Medicine, Mass General Brigham Personalized Medicine
Classification: Benign. Last evaluated: 2018-12-28. Review status: criteria provided, single submitter. Criteria: LMM Criteria. Collection method: clinical testing. Allele origin: germline. Observed: 5 variant alleles.
Comment: p.Arg561Arg in exon 15 of LZTR1: This variant is not expected to have clinical significance because it does not alter an amino acid residue, is not located within the splice consensus sequence, and has been identified in 22.02% (1889/8580) of East Asian chromosomes by the Exome Aggregation Consortium (ExAC; dbSNP rs4822790).

Women's Health and Genetics/Laboratory Corporation of America, LabCorp
Classification: Benign. Last evaluated: 2017-07-11. Review status: criteria provided, single submitter. Criteria: LabCorp Variant Classification Summary - May 2015. Collection method: clinical testing. Allele origin: germline.
Comment: Variant summary: The LZTR1 c.1683C>T (p.Arg561Arg) variant involves the alteration of a non-conserved nucleotide causing a synonymous change and 4/5 splice prediction tools predict no significant impact on normal splicing. ESE finder predicts that this variant may alter ESE binding. However, these predictions have yet to be confirmed by functional studies. This variant was found in 16937/120290 control chromosomes (1177 homozygotes) at a frequency of 0.1408014, which is approximately 28160 times the estimated maximal expected allele frequency of a pathogenic LZTR1 variant (0.000005), suggesting this variant is likely a benign polymorphism. A clinical diagnostic laboratory classified this variant as benign. Taken together, this variant is classified as benign.

GeneDx
Classification: Benign. Last evaluated: 2016-10-03. Review status: criteria provided, single submitter. Criteria: GeneDx Variant Classification (06012015). Collection method: clinical testing. Allele origin: germline. Affected: yes.
Comment: This variant is considered likely benign or benign based on one or more of the following criteria: it is a conservative change, it occurs at a poorly conserved position in the protein, it is predicted to be benign by multiple in silico algorithms, and/or has population frequency not consistent with disease.

Breakthrough Genomics
Classification: Benign. Review status: criteria provided, single submitter. Criteria: ACMG Guidelines, 2015. Collection method: not provided. Allele origin: germline. Inheritance: Autosomal recessive inheritance. Affected: yes.

Clinical Genetics DNA and cytogenetics Diagnostics Lab, Erasmus MC, Erasmus Medical Center
Classification: Benign. Review status: no assertion criteria provided. Collection method: clinical testing. Allele origin: germline. Affected: yes. Study: VKGL Data-share Consensus. Not counted in ClinVar's aggregate classification.

Clinical Genetics, Academic Medical Center
Classification: Benign. Review status: no assertion criteria provided. Collection method: clinical testing. Allele origin: germline. Affected: yes. Study: VKGL Data-share Consensus. Not counted in ClinVar's aggregate classification.

Joint Genome Diagnostic Labs from Nijmegen and Maastricht, Radboudumc and MUMC+
Classification: Benign. Review status: no assertion criteria provided. Collection method: clinical testing. Allele origin: germline. Affected: yes. Study: VKGL Data-share Consensus. Not counted in ClinVar's aggregate classification.